The following is an entry in ClinVar:

ClinVar aggregate classification (germline): Uncertain significance. Review status: criteria provided, single submitter (1 of 4 stars). 3 submissions from 3 submitters: Uncertain significance (1). 2 of the submissions do not count toward it.

Conditions:
Auditory neuropathy spectrum disorder. Identifiers: MedGen C2732267.
Brown-Vialetto-van Laere syndrome 2. Also called: Riboflavin transporter deficiency type 2; SPINOCEREBELLAR ATAXIA WITH BLINDNESS AND DEAFNESS 2. Identifiers: Orphanet 572543, Orphanet 97229, MedGen C3553538, MONDO:0013867, OMIM 614707.

Submissions (3):

Juno Genomics, Hangzhou Juno Genomics, Inc
Classification: Uncertain significance for Brown-Vialetto-van Laere syndrome 2. Review status: criteria provided, single submitter. Criteria: ACMG Guidelines, 2015. Collection method: clinical testing. Allele origin: germline.
Comment: Absent from controls (or at extremely low frequency if recessive) in Genome Aggregation Database.;Multiple lines of computational evidence support a deleterious effect on the gene or gene product.;For recessive disorders, detected in trans with a pathogenic variant.;Patient's phenotype or family history is highly specific for a disease with a single genetic etiology.

WangQJ Lab, Chinese People's Liberation Army General Hospital
Classification: Uncertain significance for Brown-Vialetto-van Laere syndrome 2. Last evaluated: 2021-07-01. Review status: no assertion criteria provided. Collection method: clinical testing. Allele origin: paternal. Not counted in ClinVar's aggregate classification.

Department of Otolaryngology, Head and Neck Surgery, Beijing Friendship Hospital, Capital Medical University
Classification: Likely pathogenic for Auditory neuropathy spectrum disorder. Last evaluated: 2021-02-17. Review status: no assertion criteria provided. Collection method: clinical testing. Allele origin: inherited. Inheritance: Autosomal recessive inheritance. Affected: yes. Not counted in ClinVar's aggregate classification.

NM_001363118.2(SLC52A2):c.124C>G (p.Pro42Ala)

Gene: SLC52A2 (solute carrier family 52 member 2; plus strand). Cytogenetic location: 8q24.3.
Variant type: single nucleotide variant.
Coding change: c.124C>G on transcript NM_001363118.2 (MANE Select); coding-DNA position 124, C replaced by G.
Protein change: p.Pro42Ala; replaces proline 42 with alanine.
Molecular consequence: missense variant.
Genome position (GRCh38, 1-based): chr8:144,359,417, C>G. VCF-style: chr8-144359417-C-G. GRCh37 (hg19) VCF-style: chr8-145583077-C-G.
Other names: c.124C>G, p.Pro42Ala (NM_001253815.2, NM_001253816.2, NM_001363120.2 and 3 more transcripts); short protein forms P42A.
Identifiers: ClinVar variation 1185143 (VCV001185143.5), dbSNP rs1175039425, ClinGen allele CA372626002.